The following is an entry in ClinVar:

ClinVar aggregate classification (germline): Uncertain significance (1 of 4 stars; one submission).

Submission:

GeneDx
Classification: Uncertain significance. Last evaluated: 2025-03-06. Review status: criteria provided, single submitter. Criteria: GeneDx Variant Classification Process June 2021. Collection method: clinical testing. Allele origin: germline. Affected: yes.
Comment: Not observed at significant frequency in large population cohorts (gnomAD); In silico analysis supports that this missense variant has a deleterious effect on protein structure/function; Has not been previously published as pathogenic or benign to our knowledge

NM_001429.4(EP300):c.4060C>A (p.Pro1354Thr)

Gene: EP300 (EP300 lysine acetyltransferase; plus strand). Cytogenetic location: 22q13.2.
Variant type: single nucleotide variant.
Coding change: c.4060C>A on transcript NM_001429.4 (MANE Select); coding-DNA position 4060, C replaced by A.
Protein change: p.Pro1354Thr; replaces proline 1354 with threonine.
Molecular consequence: missense variant.
Genome position (GRCh38, 1-based): chr22:41,168,755, C>A. VCF-style: chr22-41168755-C-A. GRCh37 (hg19) VCF-style: chr22-41564759-C-A.
Other names: c.3982C>A, p.Pro1328Thr (NM_001362843.2); short protein forms P1328T, P1354T.
Identifiers: ClinVar variation 4083108 (VCV004083108.1).
Genomic context (GRCh38, chr22:41,168,755, plus strand): 5'-GTTCCCCCACCATCTCAATTGTATAGGTTTGTGGACAGTGGAGAGATGGCAGAATCCTTT[C>A]CATACCGAACCAAAGCCCTCTTTGCCTTTGAAGAAATTGATGGTGTTGACCTGTGCTTCT-3'
Protein context (NP_001420.2, residues 1344-1364): VDSGEMAESF[Pro1354Thr]YRTKALFAFE